The following is an entry in ClinVar:

NM_001148.6(ANK2):c.10321C>T (p.Arg3441Ter)

Gene: ANK2 (ankyrin 2; plus strand). Cytogenetic location: 4q26.
Variant type: single nucleotide variant.
Coding change: c.10321C>T on transcript NM_001148.6 (MANE Select); coding-DNA position 10321, C replaced by T.
Protein change: p.Arg3441Ter; replaces arginine 3441 with a stop codon.
Molecular consequence: nonsense. On other transcripts: intron variant (68).
Genome position (GRCh38, 1-based): chr4:113,358,939, C>T. VCF-style: chr4-113358939-C-T. GRCh37 (hg19) VCF-style: chr4-114280095-C-T.
Other names: c.10087C>T, p.Arg3363Ter (NM_001386142.1); c.6721C>T, p.Arg2241Ter (NM_001386166.1); c.10462C>T, p.Arg3488Ter (NM_001386174.1); c.10438C>T, p.Arg3480Ter (NM_001386175.1); c.4412-1884C>T (NM_001386186.2, NM_001386148.2); c.4214-1884C>T (NM_001354269.3); c.4292-1884C>T (NM_001386187.2); c.4253-1884C>T (NM_001386147.1); and 35 more; short protein forms R2241*, R3363*, R3441*, R3480*, R3488*.
Identifiers: ClinVar variation 4854494 (VCV004854494.1).

ClinVar aggregate classification (germline): Likely pathogenic (1 of 4 stars; one submission).

Conditions:
ANK2-related disorder. Also called: ANK2-related condition.

gnomAD v4.1: 1 of 1,613,824 alleles (0.000062%); highest among the groups gnomAD compares: South Asian, 0.0011%; no homozygotes.

Submission:

3billion
Classification: Likely pathogenic for ANK2-related disorder. Last evaluated: 2026-01-06. Review status: criteria provided, single submitter. Criteria: ACMG Guidelines, 2015. Collection method: clinical testing. Allele origin: germline. Affected: yes.
Comment: The variant is observed at an extremely low frequency in the gnomAD v4.1.0 dataset (total allele frequency: <0.001%). Predicted Consequence/Location: Stop-gained (nonsense): predicted to result in a loss or disruption of normal protein function through nonsense-mediated decay (NMD) or protein truncation. Multiple pathogenic variants are reported downstream of the variant. Therefore, this variant is classified as Likely pathogenic according to the recommendation of ACMG/AMP guideline.